The following is an entry in ClinVar:

ClinVar aggregate classification (germline): Uncertain significance (1 of 4 stars; one submission).

gnomAD v4.1: 11 of 1,209,722 alleles (0.00091%); highest among the groups gnomAD compares: South Asian, 0.0088%; no homozygotes.

Submission:

Labcorp Genetics (formerly Invitae), Labcorp
Classification: Uncertain significance. Last evaluated: 2025-12-28. Review status: criteria provided, single submitter. Criteria: Invitae Variant Classification Sherloc (09022015). Collection method: clinical testing. Allele origin: germline.
Comment: This sequence change replaces valine, which is neutral and non-polar, with isoleucine, which is neutral and non-polar, at codon 774 of the AMER1 protein (p.Val774Ile). This variant is present in population databases (no rsID available, gnomAD 0.008%), including at least one homozygous and/or hemizygous individual. This variant has not been reported in the literature in individuals affected with AMER1-related conditions. An algorithm developed to predict the effect of missense changes on protein structure and function (PolyPhen-2) suggests that this variant is likely to be disruptive. In summary, the available evidence is currently insufficient to determine the role of this variant in disease. Therefore, it has been classified as a Variant of Uncertain Significance.

NM_152424.4(AMER1):c.2320G>A (p.Val774Ile)

Gene: AMER1 (APC membrane recruitment protein 1; minus strand). Cytogenetic location: Xq11.2.
Variant type: single nucleotide variant.
Coding change: c.2320G>A on transcript NM_152424.4 (MANE Select); coding-DNA position 2320, G replaced by A.
Protein change: p.Val774Ile; replaces valine 774 with isoleucine.
Molecular consequence: missense variant.
Genome position (GRCh38, 1-based): chrX:64,190,967, C>T on the plus strand (G>A on the coding strand, the complement: AMER1 is on the minus strand). VCF-style: chrX-64190967-C-T. GRCh37 (hg19) VCF-style: chrX-63410847-C-T.
Other names: short protein forms V774I.
Identifiers: ClinVar variation 4763534 (VCV004763534.1).